The following is an entry in ClinVar:

ClinVar aggregate classification (germline): Likely pathogenic. Review status: criteria provided, multiple submitters, no conflicts (2 of 4 stars). 2 submissions from 2 submitters: Likely pathogenic (2). Last evaluated 2025-04-10.

Conditions:
Autosomal recessive limb-girdle muscular dystrophy type 2E (LGMDR4). Also called: MUSCULAR DYSTROPHY, LIMB-GIRDLE, AUTOSOMAL RECESSIVE 4. Identifiers: Orphanet 119, MedGen C1858593, MONDO:0011423, OMIM 604286. Disease mechanism: Affects gamma-sarcoglycan and also disrupts the integrity of the entire sarcoglycan complex..

Submissions (2):

Natera, Inc.
Classification: Likely pathogenic for Limb-girdle muscular dystrophy type 2E. Last evaluated: 2025-04-10. Review status: criteria provided, single submitter. Criteria: Natera Variant Classification Schema (03/2026). Collection method: clinical testing. Allele origin: germline.
Comment: The c.232delA variant in SGCB is a frameshift variant predicted to shift the reading frame beginning at codon 78 and leads to a stop codon 3 codons downstream. This variant is expected to result in nonsense mediated decay, truncation, or a dysfunctional protein product. This variant is rare in the general population with a frequency below the threshold expected for the associated phenotype(s). Given the available evidence, this variant is classified as Likely Pathogenic.

Laboratory of Medical Genetics, National & Kapodistrian University of Athens
Classification: Likely pathogenic for Autosomal recessive limb-girdle muscular dystrophy type 2E. Last evaluated: 2024-02-01. Review status: criteria provided, single submitter. Criteria: ACMG Guidelines, 2015. Collection method: curation. Allele origin: germline. Affected: no.

NM_000232.5(SGCB):c.232del (p.Ile78fs)

Gene: SGCB (sarcoglycan beta; minus strand). Cytogenetic location: 4q12.
Variant type: Deletion.
Coding change: c.232del on transcript NM_000232.5 (MANE Select); coding-DNA position 232, one base deleted (A; older notation c.232delA).
Protein change: p.Ile78fs; shifts the reading frame from isoleucine 78.
Molecular consequence: frameshift variant.
Genome position (GRCh38, 1-based): chr4:52,033,442, T deleted on the plus strand (A on the coding strand, the reverse complement: SGCB is on the minus strand). VCF-style (leftmost placement, unchanged base first): chr4-52033441-AT-A. GRCh37 (hg19) VCF-style: chr4-52899607-AT-A.
Other names: short protein forms I78fs.
Identifiers: ClinVar variation 3239696 (VCV003239696.2), dbSNP rs2475230035.
Genomic context (GRCh38, chr4:52,033,441, plus strand): 5'-ATAAAAAATTCCCCATGGCAATTAAAATGAGTATTCTTACAAATACTCACTATTAAATTG[AT>A]GACAGCCAGGATAAACAAGAGGATAATCACACAGATGGCTAAATTGCCCTTTCTTCCTCT-3'